The following is an entry in ClinVar:

ClinVar aggregate classification (germline): Uncertain significance. Review status: criteria provided, multiple submitters, no conflicts (2 of 4 stars). 2 submissions from 2 submitters: Uncertain significance (2). Last evaluated 2025-10-21.

Conditions:
Inborn genetic diseases. Identifiers: MedGen C0950123, MeSH D030342.

gnomAD v4.1: 3 of 1,613,716 alleles (0.00019%); highest among the groups gnomAD compares: East Asian, 0.0022%; no homozygotes.

Submissions (2):

Labcorp Genetics (formerly Invitae), Labcorp
Classification: Uncertain significance. Last evaluated: 2025-10-21. Review status: criteria provided, single submitter. Criteria: Invitae Variant Classification Sherloc (09022015). Collection method: clinical testing. Allele origin: germline.
Comment: This sequence change replaces valine, which is neutral and non-polar, with phenylalanine, which is neutral and non-polar, at codon 1070 of the SAMD9L protein (p.Val1070Phe). This variant is present in population databases (rs771578255, gnomAD 0.01%). This variant has not been reported in the literature in individuals affected with SAMD9L-related conditions. ClinVar contains an entry for this variant (Variation ID: 3792241). Invitae Evidence Modeling of protein sequence and biophysical properties (such as structural, functional, and spatial information, amino acid conservation, physicochemical variation, residue mobility, and thermodynamic stability) indicates that this missense variant is expected to disrupt SAMD9L protein function with a positive predictive value of 80%. In summary, the available evidence is currently insufficient to determine the role of this variant in disease. Therefore, it has been classified as a Variant of Uncertain Significance.

Ambry Genetics
Classification: Uncertain significance for Inborn genetic diseases. Last evaluated: 2025-06-11. Review status: criteria provided, single submitter. Criteria: Ambry Variant Classification Scheme 2023. Collection method: clinical testing. Allele origin: germline.

NM_152703.5(SAMD9L):c.3208G>T (p.Val1070Phe)

Gene: SAMD9L (sterile alpha motif domain containing 9 like; minus strand). Cytogenetic location: 7q21.2.
Variant type: single nucleotide variant.
Coding change: c.3208G>T on transcript NM_152703.5 (MANE Select); coding-DNA position 3208, G replaced by T.
Protein change: p.Val1070Phe; replaces valine 1070 with phenylalanine.
Molecular consequence: missense variant.
Genome position (GRCh38, 1-based): chr7:93,132,764, C>A on the plus strand (G>T on the coding strand, the complement: SAMD9L is on the minus strand). VCF-style: chr7-93132764-C-A. GRCh37 (hg19) VCF-style: chr7-92762077-C-A.
Other names: c.3208G>T, p.Val1070Phe (NM_001303496.3, NM_001303497.3, NM_001303498.3 and 5 more transcripts); short protein forms V1070F.
Identifiers: ClinVar variation 3792241 (VCV003792241.3).